The following is an entry in ClinVar:

NM_001005242.3(PKP2):c.337-6G>A

Gene: PKP2 (plakophilin 2; minus strand). Cytogenetic location: 12p11.21.
Variant type: single nucleotide variant.
Coding change: c.337-6G>A on transcript NM_001005242.3 (MANE Select); 6 bases into the intron before coding-DNA position 337, G replaced by A.
Molecular consequence: intron variant.
Genome position (GRCh38, 1-based): chr12:32,878,549, C>T on the plus strand (G>A on the coding strand, the complement: PKP2 is on the minus strand). VCF-style: chr12-32878549-C-T. GRCh37 (hg19) VCF-style: chr12-33031483-C-T.
Other names: c.337-6G>A (NM_001407156.1, NM_001407155.1, NM_004572.4 and 2 more transcripts); c.10-6G>A (NM_001407160.1, NM_001407159.1, NM_001407158.1 and 1 more transcripts).
Identifiers: ClinVar variation 3075172 (VCV003075172.1), dbSNP rs757649000, ClinGen allele CA036931.

ClinVar aggregate classification (germline): Likely benign (1 of 4 stars; one submission).

Conditions:
Arrhythmogenic right ventricular cardiomyopathy (ARVD). Also called: Arrhythmogenic right ventricular dysplasia; Cardiomyopathy, ARVC; Arrhythmogenic cardiomyopathy; Arrhythmogenic Right Ventricular Cardiomyopathy (ARVC). Identifiers: Orphanet 247, MedGen C0349788, MeSH D019571, MONDO:0016587. Disease mechanism: loss of function. Inheritance: Various modes of inheritance.

Allele frequency attached by ClinVar (database versions not stated): gnomAD exomes below 0.00001; TOPMed below 0.00001; ExAC 0.00001.
gnomAD v4.1: 1 of 1,609,038 alleles (0.000062%); highest among the groups gnomAD compares: Non-Finnish European, 0.000085%; no homozygotes.

Submission:

All of Us Research Program, National Institutes of Health
Classification: Likely benign for Arrhythmogenic right ventricular cardiomyopathy. Last evaluated: 2023-12-18. Review status: criteria provided, single submitter. Criteria: ACMG Guidelines, 2015. Collection method: clinical testing. Allele origin: germline. Inheritance: Autosomal dominant inheritance. Observed: 1 variant allele, 1 heterozygote.
Comment: This study involves interpretation of variants in research participants for the purpose of population health screening. Participant phenotype was not available at the time of variant classification. Additional details can be found in publication PMID: 35346344, PMCID: PMC8962531